The following is an entry in ClinVar:

NC_012920.1(MT-TG):m.10018A>G

Gene: MT-TG (mitochondrially encoded tRNA glycine; plus strand).
Variant type: single nucleotide variant.
Genome position: chrM-10018-A-G.
Identifiers: ClinVar variation 440974 (VCV000440974.3), dbSNP rs1556423757, ClinGen allele CA658653723.
Genomic context (GRCh38, chrMT:10,018, plus strand): 5'-TTCTGTATGTCTCCATCTATTGATGAGGGTCTTACTCTTTTAGTATAAATAGTACCGTTA[A>G]CTTCCAATTAACTAGTTTTGACAACATTCAAAAAAGAGTAATAAACTTCGCCTTAATTTT-3'

ClinVar aggregate classification (germline): Benign (1 of 4 stars; one submission).

Conditions:
MELAS syndrome (MELAS). Also called: Juvenile myopathy, encephalopathy, lactic acidosis, stroke. Identifiers: Orphanet 550, MedGen C0162671, MONDO:0010789, OMIM 540000.

Submission:

Wong Mito Lab, Molecular and Human Genetics, Baylor College of Medicine
Classification: Benign for MELAS syndrome. Last evaluated: 2019-07-12. Review status: criteria provided, single submitter. Criteria: Modified ACMG Guidelines (Unpublished). Collection method: clinical testing. Allele origin: germline.
Comment: The NC_012920.1:m.10018A>G variant in MT-TG gene is interpreted to be a Benign variant based on the modified ACMG guidelines (unpublished). This variant meets the following evidence codes reported in the guidelines: BS1, BS4

Literature cited by the submitters: PubMed 31965079 (cited by Wong Mito Lab, Molecular and Human Genetics, Baylor College of Medicine).